The following is an entry in ClinVar:

ClinVar aggregate classification (germline): Conflicting classifications of pathogenicity. Review status: criteria provided, conflicting classifications (1 of 4 stars). 12 submissions from 11 submitters: Uncertain significance (10); Benign (1); Likely benign (1). Last evaluated 2026-02-03.

Conditions:
Pheochromocytoma/paraganglioma syndrome 5. Also called: Paragangliomas 5; SDHA-Related Hereditary Paraganglioma-Pheochromocytoma Syndrome. Identifiers: Orphanet 29072, MedGen C3279992, MONDO:0013602, OMIM 614165.
Mitochondrial complex II deficiency, nuclear type 1. Also called: SUCCINATE CoQ REDUCTASE DEFICIENCY. Identifiers: Orphanet 3208, MedGen C5700310, MONDO:0100294, OMIM 252011.
Dilated cardiomyopathy 1GG (CMD1GG). Identifiers: Orphanet 154, MedGen C3150898, MONDO:0013339, OMIM 613642.
Neurodegeneration with ataxia and late-onset optic atrophy. Identifiers: MedGen C5543254, MONDO:0031006, OMIM 619259.
SDHA-related disorder. Also called: SDHA-related disorders; SDHA-related condition.
Hereditary pheochromocytoma and paraganglioma. Also called: Hereditary Paraganglioma-Pheochromocytoma Syndromes; Hereditary pheochromocytoma-paraganglioma; Hereditary paragangliomas and pheochromocytomas. Identifiers: Orphanet 29072, MedGen C4274332, MONDO:0017366.
Mitochondrial disease. Also called: Mitochondrial disorders; Mitochondrial disorder. Identifiers: Orphanet 68380, MedGen C0751651, MeSH D028361, MONDO:0044970.
Leigh syndrome (NULS). Also called: Leigh Disease; Leigh Syndrome (mtDNA deletion); Subacute necrotizing encephalopathy; Necrotizing encephalopathy infantile subacute of Leigh; LEIGH SYNDROME, NUCLEAR; Leigh's syndrome. Identifiers: Orphanet 506, MedGen C2931891, MONDO:0009723, OMIM 256000.
Diffuse pediatric-type high-grade glioma, H3-wildtype and IDH-wildtype. Identifiers: MedGen C5669918, MONDO:0858939.
Hereditary cancer-predisposing syndrome. Also called: Neoplastic Syndromes, Hereditary; Hereditary neoplastic syndrome; Hereditary Cancer Syndrome; Tumor predisposition. Identifiers: Orphanet 140162, MedGen C0027672, MeSH D009386, MONDO:0015356.

Allele frequency attached by ClinVar (database versions not stated): gnomAD 0.00007 and 0.00008; gnomAD exomes 0.00007 and 0.00016; ExAC 0.00012; TOPMed 0.00013; ESP Exome Variant Server 0.00015.
gnomAD v4.1: 118 of 1,613,024 alleles (0.0073%); highest among the groups gnomAD compares: Admixed American, 0.05%; no homozygotes.

Submissions (12):

Labcorp Genetics (formerly Invitae), Labcorp
Classification: Benign for Pheochromocytoma/paraganglioma syndrome 5; Mitochondrial complex II deficiency, nuclear type 1. Last evaluated: 2026-02-03. Review status: criteria provided, single submitter. Criteria: Invitae Variant Classification Sherloc (09022015). Collection method: clinical testing. Allele origin: germline.

PreventionGenetics, part of Exact Sciences
Classification: Uncertain significance for SDHA-related condition. Last evaluated: 2025-10-22. Review status: criteria provided, single submitter. Criteria: ACMG Guidelines, 2015. Collection method: clinical testing. Allele origin: germline.
Comment: The SDHA c.155C>T variant is predicted to result in the amino acid substitution p.Ser52Phe. To our knowledge, this variant has not been reported in the literature. This variant is reported in 0.062% of alleles in individuals of Latino descent in gnomAD and has conflicting interpretations in ClinVar ranging from uncertain to likely benign (Variation ID: 252906). Although we suspect that this variant may be benign, at this time, the clinical significance of this variant is uncertain due to the absence of conclusive functional and genetic evidence.

Myriad Genetics, Inc.
Classification: Likely benign for Pheochromocytoma/paraganglioma syndrome 5. Last evaluated: 2025-02-28. Review status: criteria provided, single submitter. Criteria: Myriad Autosomal Dominant, Autosomal Recessive and X-Linked Classification Criteria (2023). Collection method: clinical testing. Allele origin: unknown.
Comment: This variant is considered likely benign. This variant has been observed at a population frequency that is significantly greater than expected given the associated disease prevalence and penetrance.

GeneDx
Classification: Uncertain significance. Last evaluated: 2025-02-06. Review status: criteria provided, single submitter. Criteria: GeneDx Variant Classification Process June 2021. Collection method: clinical testing. Allele origin: germline.
Comment: In silico analysis supports that this missense variant has a deleterious effect on protein structure/function; Has not been previously published as pathogenic or benign to our knowledge

Ambry Genetics
Classification: Uncertain significance for Hereditary cancer-predisposing syndrome. Last evaluated: 2024-12-06. Review status: criteria provided, single submitter. Criteria: Ambry Variant Classification Scheme 2023. Collection method: clinical testing. Allele origin: germline.
Comment: The p.S52F variant (also known as c.155C>T), located in coding exon 3 of the SDHA gene, results from a C to T substitution at nucleotide position 155. The serine at codon 52 is replaced by phenylalanine, an amino acid with highly dissimilar properties. This amino acid position is highly conserved in available vertebrate species. In addition, the in silico prediction for this alteration is inconclusive. Based on the available evidence, the clinical significance of this variant remains unclear.

Molecular Pathology, Peter Maccallum Cancer Centre
Classification: Uncertain significance for Pheochromocytoma/paraganglioma syndrome 5. Last evaluated: 2024-07-28. Review status: criteria provided, single submitter. Criteria: ACMG Guidelines, 2015. Collection method: clinical testing. Allele origin: germline. Inheritance: Autosomal dominant inheritance.

Fulgent Genetics
Classification: Uncertain significance for Mitochondrial complex II deficiency, nuclear type 1; Dilated cardiomyopathy 1GG; Pheochromocytoma/paraganglioma syndrome 5; Neurodegeneration with ataxia and late-onset optic atrophy. Last evaluated: 2024-06-06. Review status: criteria provided, single submitter. Criteria: ACMG Guidelines, 2015. Collection method: clinical testing. Allele origin: germline.

Baylor Genetics
Classification: Uncertain significance for Dilated cardiomyopathy 1GG. Last evaluated: 2024-03-27. Review status: criteria provided, single submitter. Criteria: ACMG Guidelines, 2015. Collection method: clinical testing. Allele origin: unknown.

Genetic Services Laboratory, University of Chicago
Classification: Uncertain significance. Last evaluated: 2021-02-26. Review status: criteria provided, single submitter. Criteria: ACMG Guidelines, 2015. Collection method: clinical testing. Allele origin: germline. Affected: no.
Comment: This sequence change does not appear to have been previously described in patients with SDHA-related disorders and has been described in the gnomAD database with a low population frequency of 0.015% (dbSNP rs377470390). The p.Ser52Phe change affects a highly conserved amino acid residue located in a domain of the SDHA protein that is not known to be functional. In-silico pathogenicity prediction tools (SIFT, PolyPhen2, Align GVGD, REVEL) provide contradictory results for the p.Ser52Phe substitution. Due to these contrasting evidences and the lack of functional studies, the clinical significance of the p.Ser52Phe change remains unknown at this time.

Revvity Omics, Revvity
Classification: Uncertain significance. Last evaluated: 2020-01-30. Review status: criteria provided, single submitter. Criteria: ACMG Guidelines, 2015. Collection method: clinical testing. Allele origin: germline.

Fulgent Genetics
Classification: Uncertain significance for Mitochondrial complex II deficiency, nuclear type 1; Leigh syndrome; Dilated cardiomyopathy 1GG; Pheochromocytoma/paraganglioma syndrome 5. Last evaluated: 2018-10-31. Review status: criteria provided, single submitter. Criteria: ACMG Guidelines, 2015. Collection method: clinical testing. Allele origin: unknown.

Laboratory of Medical Genetics Unit, Bambino Gesù Children's Hospital
Classification: Uncertain significance for Diffuse pediatric-type high-grade glioma, H3-wildtype and IDH-wildtype. Last evaluated: 2017-12-28. Review status: criteria provided, single submitter. Criteria: ACMG Guidelines, 2015. Collection method: research. Allele origin: germline. Affected: yes. Observed: 1 heterozygote.

NM_004168.4(SDHA):c.155C>T (p.Ser52Phe)

Gene: SDHA (succinate dehydrogenase complex flavoprotein subunit A; plus strand). Cytogenetic location: 5p15.33.
Variant type: single nucleotide variant.
Coding change: c.155C>T on transcript NM_004168.4 (MANE Select); coding-DNA position 155, C replaced by T.
Protein change: p.Ser52Phe; replaces serine 52 with phenylalanine.
Molecular consequence: missense variant.
Genome position (GRCh38, 1-based): chr5:224,364, C>T. VCF-style: chr5-224364-C-T. GRCh37 (hg19) VCF-style: chr5-224479-C-T.
Other names: c.155C>T, p.Ser52Phe (NM_001294332.2, NM_001330758.2); short protein forms S52F.
Identifiers: ClinVar variation 252906 (VCV000252906.33), dbSNP rs377470390, ClinGen allele CA3172744.